The following is an entry in ClinVar:

ClinVar aggregate classification (germline): Uncertain significance. Review status: criteria provided, multiple submitters, no conflicts (2 of 4 stars). 2 submissions from 2 submitters: Uncertain significance (2). Last evaluated 2024-03-23.

Submissions (2):

Labcorp Genetics (formerly Invitae), Labcorp
Classification: Uncertain significance. Last evaluated: 2024-03-23. Review status: criteria provided, single submitter. Criteria: Invitae Variant Classification Sherloc (09022015). Collection method: clinical testing. Allele origin: germline.
Comment: This sequence change replaces serine, which is neutral and polar, with phenylalanine, which is neutral and non-polar, at codon 353 of the WFS1 protein (p.Ser353Phe). This variant is present in population databases (no rsID available, gnomAD 0.007%). This missense change has been observed in individual(s) with WFS1-related condition (PMID: 25133958). Advanced modeling of protein sequence and biophysical properties (such as structural, functional, and spatial information, amino acid conservation, physicochemical variation, residue mobility, and thermodynamic stability) has been performed at Invitae for this missense variant, however the output from this modeling did not meet the statistical confidence thresholds required to predict the impact of this variant on WFS1 protein function. In summary, the available evidence is currently insufficient to determine the role of this variant in disease. Therefore, it has been classified as a Variant of Uncertain Significance.

Blueprint Genetics
Classification: Uncertain significance. Last evaluated: 2024-03-07. Review status: criteria provided, single submitter. Criteria: ACMG Guidelines, 2015. Collection method: clinical testing. Allele origin: germline.

Literature cited by the submitters: PubMed 25133958 (cited by Labcorp Genetics (formerly Invitae), Labcorp).

NM_006005.3(WFS1):c.1058C>T (p.Ser353Phe)

Gene: WFS1 (wolframin ER transmembrane glycoprotein; plus strand). Cytogenetic location: 4p16.1.
Variant type: single nucleotide variant.
Coding change: c.1058C>T on transcript NM_006005.3 (MANE Select); coding-DNA position 1058, C replaced by T.
Protein change: p.Ser353Phe; replaces serine 353 with phenylalanine.
Molecular consequence: missense variant.
Genome position (GRCh38, 1-based): chr4:6,300,853, C>T. VCF-style: chr4-6300853-C-T. GRCh37 (hg19) VCF-style: chr4-6302580-C-T.
Other names: c.1058C>T, p.Ser353Phe (NM_001145853.1); short protein forms S353F.
Identifiers: ClinVar variation 3720567 (VCV003720567.3).